The following is an entry in ClinVar:

NM_000222.3(KIT):c.828_832dup (p.Ser278fs)

Gene: KIT (KIT proto-oncogene, receptor tyrosine kinase; plus strand). Cytogenetic location: 4q12.
Variant type: Duplication.
Coding change: c.828_832dup on transcript NM_000222.3 (MANE Select); coding-DNA positions 828 to 832, 5 bases duplicated (TATCA; older notation c.828_832dupTATCA).
Protein change: p.Ser278fs; shifts the reading frame from serine 278.
Molecular consequence: frameshift variant.
Genome position (GRCh38, 1-based): chr4:54,703,795-54,703,799, TATCA duplicated. VCF-style (leftmost placement, unchanged base first): chr4-54703794-C-CTATCA. GRCh37 (hg19) VCF-style: chr4-55569960-C-CTATCA.
Other names: c.828_832dup, p.Ser278fs (NM_001093772.2, NM_001385285.1, NM_001385286.1); c.831_835dup, p.Ser279fs (NM_001385284.1, NM_001385288.1, NM_001385290.1 and 1 more transcripts); short protein forms S279fs, S278fs.
Identifiers: ClinVar variation 2126350 (VCV002126350.4), dbSNP rs2475469406, ClinGen allele CA2580071121.

ClinVar aggregate classification (germline): Pathogenic (1 of 4 stars; one submission).

Conditions:
Gastrointestinal stromal tumor. Also called: Gastrointestinal stroma tumor; Gastrointestinal stromal tumor, somatic. Identifiers: Orphanet 44890, MedGen C0238198, MeSH D046152, MONDO:0011719, OMIM 606764, HP:0100723.

Submission:

Labcorp Genetics (formerly Invitae), Labcorp
Classification: Pathogenic for Gastrointestinal stromal tumor. Last evaluated: 2022-05-08. Review status: criteria provided, single submitter. Criteria: Invitae Variant Classification Sherloc (09022015). Collection method: clinical testing. Allele origin: germline.
Comment: For these reasons, this variant has been classified as Pathogenic. This variant has not been reported in the literature in individuals affected with KIT-related conditions. This variant is not present in population databases (gnomAD no frequency). This sequence change creates a premature translational stop signal (p.Ser278Ilefs*32) in the KIT gene. It is expected to result in an absent or disrupted protein product. Loss-of-function variants in KIT are known to be pathogenic (PMID: 15194144).

Literature cited by the submitters: PubMed 15194144.